The following is an entry in ClinVar:

NM_000088.4(COL1A1):c.1155+1G>T

Gene: COL1A1 (collagen type I alpha 1 chain; minus strand). Cytogenetic location: 17q21.33.
Variant type: single nucleotide variant.
Coding change: c.1155+1G>T on transcript NM_000088.4 (MANE Select); the canonical splice donor site of the intron after coding-DNA position 1155, G replaced by T.
Molecular consequence: splice donor variant.
Genome position (GRCh38, 1-based): chr17:50,195,566, C>A on the plus strand (G>T on the coding strand, the complement: COL1A1 is on the minus strand). VCF-style: chr17-50195566-C-A. GRCh37 (hg19) VCF-style: chr17-48272927-C-A.
Identifiers: ClinVar variation 1409103 (VCV001409103.8), dbSNP rs72648315, ClinGen allele CA400219471.

ClinVar aggregate classification (germline): Pathogenic (1 of 4 stars; one submission).

Conditions:
Osteogenesis imperfecta type I (OI1). Also called: Classic Non-deforming Osteogenesis Imperfecta with Blue Sclerae; OI, TYPE I; OSTEOGENESIS IMPERFECTA TARDA; OSTEOGENESIS IMPERFECTA WITH BLUE SCLERAE; Osteogenesis imperfecta type 1; Lobstein's Disease. Identifiers: Orphanet 216796, Orphanet 666, MedGen C0023931, MONDO:0008146, OMIM 166200. Disease mechanism: loss of function.

Submission:

Labcorp Genetics (formerly Invitae), Labcorp
Classification: Pathogenic for Osteogenesis imperfecta type I. Last evaluated: 2020-11-05. Review status: criteria provided, single submitter. Criteria: Invitae Variant Classification Sherloc (09022015). Collection method: clinical testing. Allele origin: germline.
Comment: This sequence change affects a donor splice site in intron 17 of the COL1A1 gene. It is expected to disrupt RNA splicing. Variants that disrupt the donor or acceptor splice site typically lead to a loss of protein function (PMID: 16199547), and loss-of-function variants in COL1A1 are known to be pathogenic (PMID: 7942841, 9295084, 9443882). This variant is not present in population databases (ExAC no frequency). Disruption of this splice site has been observed in individual(s) with osteogenesis imperfecta (PMID: 30715774, 30886339). Algorithms developed to predict the effect of sequence changes on RNA splicing suggest that this variant may disrupt the consensus splice site, but this prediction has not been confirmed by published transcriptional studies. For these reasons, this variant has been classified as Pathogenic.

Literature cited by the submitters: PubMed 16199547; PubMed 7942841; PubMed 9295084; PubMed 9443882; PubMed 30715774; PubMed 30886339.